The following is an entry in ClinVar:

NM_002693.3(POLG):c.1434-15G>A

Gene: POLG (DNA polymerase gamma, catalytic subunit; minus strand). Cytogenetic location: 15q26.1.
Variant type: single nucleotide variant.
Coding change: c.1434-15G>A on transcript NM_002693.3 (MANE Select); 15 bases into the intron before coding-DNA position 1434, G replaced by A.
Molecular consequence: intron variant.
Genome position (GRCh38, 1-based): chr15:89,327,078, C>T on the plus strand (G>A on the coding strand, the complement: POLG is on the minus strand). VCF-style: chr15-89327078-C-T. GRCh37 (hg19) VCF-style: chr15-89870309-C-T.
Other names: c.1434-15G>A (NM_001126131.2).
Identifiers: ClinVar variation 2005086 (VCV002005086.4), dbSNP rs2509255262, ClinGen allele CA2580090177.

ClinVar aggregate classification (germline): Uncertain significance (1 of 4 stars; one submission).

Conditions:
Progressive sclerosing poliodystrophy (MTDPS4A). Also called: Mitochondrial DNA Depletion Syndrome 4A; ALPERS PROGRESSIVE INFANTILE POLIODYSTROPHY; NEURONAL DEGENERATION OF CHILDHOOD WITH LIVER DISEASE, PROGRESSIVE; Mitochondrial DNA depletion syndrome 4A (Alpers type); Alpers Syndrome; ALPERS DIFFUSE DEGENERATION OF CEREBRAL GRAY MATTER WITH HEPATIC CIRRHOSIS. Identifiers: Orphanet 726, MedGen C0205710, MONDO:0008758, OMIM 203700.

Submission:

Labcorp Genetics (formerly Invitae), Labcorp
Classification: Uncertain significance for Progressive sclerosing poliodystrophy. Last evaluated: 2025-04-07. Review status: criteria provided, single submitter. Criteria: Invitae Variant Classification Sherloc (09022015). Collection method: clinical testing. Allele origin: germline.
Comment: This sequence change falls in intron 7 of the POLG gene. It does not directly change the encoded amino acid sequence of the POLG protein. This variant is not present in population databases (gnomAD no frequency). This variant has not been reported in the literature in individuals affected with POLG-related conditions. ClinVar contains an entry for this variant (Variation ID: 2005086). Algorithms developed to predict the effect of sequence changes on RNA splicing suggest that this variant may disrupt the consensus splice site. In summary, the available evidence is currently insufficient to determine the role of this variant in disease. Therefore, it has been classified as a Variant of Uncertain Significance.